The following is an entry in ClinVar:

ClinVar aggregate classification (germline): Benign/Likely benign. Review status: criteria provided, multiple submitters, no conflicts (2 of 4 stars). 6 submissions from 6 submitters: Benign (5); Likely benign (1). Last evaluated 2026-02-02.

Allele frequency attached by ClinVar (database versions not stated): 1000 Genomes Project 0.01817; 1000 Genomes Project 30x 0.01921; TOPMed 0.03978; ExAC 0.04697; ESP Exome Variant Server 0.04729; gnomAD 0.04730 and 0.04880; gnomAD exomes 0.04790.
gnomAD v4.1: 98,322 of 1,614,070 alleles (6.1%); highest among the groups gnomAD compares: Non-Finnish European, 7.1%; 3,432 homozygotes.

Submissions (6):

Labcorp Genetics (formerly Invitae), Labcorp
Classification: Benign. Last evaluated: 2026-02-02. Review status: criteria provided, single submitter. Criteria: Invitae Variant Classification Sherloc (09022015). Collection method: clinical testing. Allele origin: germline.

Blueprint Genetics
Classification: Likely benign. Last evaluated: 2024-11-28. Review status: criteria provided, single submitter. Criteria: ACMG Guidelines, 2015. Collection method: clinical testing. Allele origin: germline.

Athena Diagnostics
Classification: Benign. Last evaluated: 2018-11-26. Review status: criteria provided, single submitter. Criteria: Athena Diagnostics Criteria. Collection method: clinical testing. Allele origin: germline.

GeneDx
Classification: Benign. Last evaluated: 2017-05-09. Review status: criteria provided, single submitter. Criteria: GeneDx Variant Classification (06012015). Collection method: clinical testing. Allele origin: germline. Affected: yes.
Comment: This variant is considered likely benign or benign based on one or more of the following criteria: it is a conservative change, it occurs at a poorly conserved position in the protein, it is predicted to be benign by multiple in silico algorithms, and/or has population frequency not consistent with disease.

Laboratory for Molecular Medicine, Mass General Brigham Personalized Medicine
Classification: Benign. Last evaluated: 2014-11-24. Review status: criteria provided, single submitter. Criteria: LMM Criteria. Collection method: clinical testing. Allele origin: germline. Observed: 71 variant alleles.
Comment: His408Gln in exon 8 of TSPEAR: This variant is not expected to have clinical sig nificance because it has been identified in 6.5% (556/8600) of European American chromosomes from a broad population by the NHLBI Exome Sequencing Project (dbSNP rs35028190).

Breakthrough Genomics
Classification: Benign. Review status: criteria provided, single submitter. Criteria: ACMG Guidelines, 2015. Collection method: not provided. Allele origin: germline. Inheritance: Autosomal recessive inheritance. Affected: yes.

NM_144991.3(TSPEAR):c.1224C>G (p.His408Gln)

Gene: TSPEAR (thrombospondin type laminin G domain and EAR repeats; minus strand). Cytogenetic location: 21q22.3.
Variant type: single nucleotide variant.
Coding change: c.1224C>G on transcript NM_144991.3 (MANE Select); coding-DNA position 1224, C replaced by G.
Protein change: p.His408Gln; replaces histidine 408 with glutamine.
Molecular consequence: missense variant.
Genome position (GRCh38, 1-based): chr21:44,525,765, G>C on the plus strand (C>G on the coding strand, the complement: TSPEAR is on the minus strand). VCF-style: chr21-44525765-G-C. GRCh37 (hg19) VCF-style: chr21-45945648-G-C.
Other names: c.1020C>G, p.His340Gln (NM_001272037.2); short protein forms H408Q, H340Q.
Identifiers: ClinVar variation 227130 (VCV000227130.16), dbSNP rs35028190, ClinGen allele CA10056668.
Genomic context (GRCh38, chr21:44,525,765, plus strand): 5'-CTCCCAGTCTCGGGCGCTGTGTGTGGCAATGCTCTGATATGGGGTAAACTTCAGCTTTCT[G>C]TGGCTCCATTTGTAAATGACAGAGAACTCCTGACCCTTCTCATCTGGTTCAAAATTAGCC-3'
Protein context (NP_659428.2, residues 398-418): QEFSVIYKWS[His408Gln]RKLKFTPYQS